The following is an entry in ClinVar:

NM_005570.4(LMAN1):c.*2217G>A

Gene: LMAN1 (lectin, mannose binding 1; minus strand). Cytogenetic location: 18q21.32.
Variant type: single nucleotide variant.
Coding change: c.*2217G>A on transcript NM_005570.4 (MANE Select); 2217 bases downstream of the stop codon, G replaced by A.
Molecular consequence: 3 prime UTR variant.
Genome position (GRCh38, 1-based): chr18:59,328,876, C>T on the plus strand (G>A on the coding strand, the complement: LMAN1 is on the minus strand). VCF-style: chr18-59328876-C-T. GRCh37 (hg19) VCF-style: chr18-56996108-C-T.
Identifiers: ClinVar variation 327547 (VCV000327547.6), dbSNP rs7236294, ClinGen allele CA10651184.

ClinVar aggregate classification (germline): Benign. Review status: criteria provided, multiple submitters, no conflicts (2 of 4 stars). 2 submissions from 2 submitters: Benign (2). Last evaluated 2018-01-13.

Conditions:
Factor V and factor VIII, combined deficiency of, type 1. Also called: Combined factor V and VIII deficiency; FAMILIAL MULTIPLE COAGULATION FACTOR DEFICIENCY I; MULTIPLE COAGULATION FACTOR DEFICIENCY I; FMFD I. Identifiers: Orphanet 35909, MedGen C4551981, MONDO:0009206, OMIM 227300.

Allele frequency attached by ClinVar (database versions not stated): gnomAD 0.11367 and 0.10969; 1000 Genomes Project 0.09724; 1000 Genomes Project 30x 0.10087; TOPMed 0.11688.

Submissions (2):

Illumina Laboratory Services, Illumina
Classification: Benign for Factor V and factor VIII, combined deficiency of, type 1. Last evaluated: 2018-01-13. Review status: criteria provided, single submitter. Criteria: ICSL Variant Classification Criteria 13 December 2019. Collection method: clinical testing. Allele origin: germline.
Comment: This variant was observed in the ICSL laboratory as part of a predisposition screen in an ostensibly healthy population. It had not been previously curated by ICSL or reported in the Human Gene Mutation Database (HGMD: prior to June 1st, 2018), and was therefore a candidate for classification through an automated scoring system. Utilizing variant allele frequency, disease prevalence and penetrance estimates, and inheritance mode, an automated score was calculated to assess if this variant is too frequent to cause the disease. Based on the score and internal cut-off values, a variant classified as benign is not then subjected to further curation. The score for this variant resulted in a classification of benign for this disease.

Breakthrough Genomics
Classification: Benign. Review status: criteria provided, single submitter. Criteria: ACMG Guidelines, 2015. Collection method: not provided. Allele origin: germline. Inheritance: Autosomal recessive inheritance. Affected: yes.